The following is an entry in ClinVar:

ClinVar aggregate classification (germline): Conflicting classifications of pathogenicity. Review status: criteria provided, conflicting classifications (1 of 4 stars). 3 submissions from 3 submitters: Uncertain significance (1); Likely benign (1). 1 of the submissions does not count toward it. Last evaluated 2023-06-16.

Conditions:
PKHD1-related disorder. Also called: PKHD1-related condition.
Autosomal recessive polycystic kidney disease (ARPKD). Also called: AR polycystic kidney disease. Identifiers: Orphanet 731, Orphanet 8378, MedGen C0085548, MeSH D017044, MONDO:0009889.

Allele frequency attached by ClinVar (database versions not stated): gnomAD exomes below 0.00001; TOPMed below 0.00001.
gnomAD v4.1: 5 of 1,614,230 alleles (0.00031%); highest among the groups gnomAD compares: Non-Finnish European, 0.00042%; no homozygotes.

Submissions (3):

Labcorp Genetics (formerly Invitae), Labcorp
Classification: Likely benign for Autosomal recessive polycystic kidney disease. Last evaluated: 2023-06-16. Review status: criteria provided, single submitter. Criteria: Invitae Variant Classification Sherloc (09022015). Collection method: clinical testing. Allele origin: germline.

Eurofins Ntd Llc (ga)
Classification: Uncertain significance. Last evaluated: 2018-01-02. Review status: criteria provided, single submitter. Criteria: EGL Classification Definitions 2015. Collection method: clinical testing. Allele origin: germline. Observed: 1 variant allele, 1 heterozygote.

PreventionGenetics, part of Exact Sciences
Classification: Likely benign for PKHD1-related condition. Last evaluated: 2022-09-28. Review status: no assertion criteria provided. Collection method: clinical testing. Allele origin: germline. Not counted in ClinVar's aggregate classification.
Comment: This variant is classified as likely benign based on ACMG/AMP sequence variant interpretation guidelines (Richards et al. 2015 PMID: 25741868, with internal and published modifications).

NM_138694.4(PKHD1):c.12147G>A (p.Glu4049=)

Gene: PKHD1 (PKHD1 ciliary IPT domain containing fibrocystin/polyductin; minus strand). Cytogenetic location: 6p12.3.
Variant type: single nucleotide variant.
Coding change: c.12147G>A on transcript NM_138694.4 (MANE Select); coding-DNA position 12147, G replaced by A.
Protein change: p.Glu4049=; no amino-acid change (glutamic acid 4049 retained).
Molecular consequence: synonymous variant.
Genome position (GRCh38, 1-based): chr6:51,619,159, C>T on the plus strand (G>A on the coding strand, the complement: PKHD1 is on the minus strand). VCF-style: chr6-51619159-C-T. GRCh37 (hg19) VCF-style: chr6-51483957-C-T.
Identifiers: ClinVar variation 595548 (VCV000595548.17), dbSNP rs1561967407, ClinGen allele CA450410823.